The following is an entry in ClinVar:

NM_014339.7(IL17RA):c.2008C>T (p.Leu670Phe)

Gene: IL17RA (interleukin 17 receptor A; plus strand). Cytogenetic location: 22q11.1.
Variant type: single nucleotide variant.
Coding change: c.2008C>T on transcript NM_014339.7 (MANE Select); coding-DNA position 2008, C replaced by T.
Protein change: p.Leu670Phe; replaces leucine 670 with phenylalanine.
Molecular consequence: missense variant.
Genome position (GRCh38, 1-based): chr22:17,109,227, C>T. VCF-style: chr22-17109227-C-T. GRCh37 (hg19) VCF-style: chr22-17590117-C-T.
Other names: c.1906C>T, p.Leu636Phe (NM_001289905.2); short protein forms L636F, L670F.
Identifiers: ClinVar variation 1012030 (VCV001012030.8), dbSNP rs2061428792, ClinGen allele CA410220064.

ClinVar aggregate classification (germline): Uncertain significance (1 of 4 stars; one submission).

Conditions:
Immunodeficiency 51 (IMD51). Also called: CANDIDIASIS, FAMILIAL, 5. Identifiers: Orphanet 1334, MedGen C4310803, MONDO:0013500, OMIM 613953.

Allele frequency attached by ClinVar (database versions not stated): gnomAD exomes below 0.00001.
gnomAD v4.1: 1 of 1,495,404 alleles (0.000067%); highest among the groups gnomAD compares: Non-Finnish European, 0.000089%; no homozygotes.

Submission:

Labcorp Genetics (formerly Invitae), Labcorp
Classification: Uncertain significance for Immunodeficiency 51. Last evaluated: 2022-06-13. Review status: criteria provided, single submitter. Criteria: Invitae Variant Classification Sherloc (09022015). Collection method: clinical testing. Allele origin: germline.
Comment: This sequence change replaces leucine, which is neutral and non-polar, with phenylalanine, which is neutral and non-polar, at codon 670 of the IL17RA protein (p.Leu670Phe). This variant is not present in population databases (gnomAD no frequency). This variant has not been reported in the literature in individuals affected with IL17RA-related conditions. ClinVar contains an entry for this variant (Variation ID: 1012030). Algorithms developed to predict the effect of missense changes on protein structure and function output the following: SIFT: "Tolerated"; PolyPhen-2: "Benign"; Align-GVGD: "Class C0". The phenylalanine amino acid residue is found in multiple mammalian species, which suggests that this missense change does not adversely affect protein function. In summary, the available evidence is currently insufficient to determine the role of this variant in disease. Therefore, it has been classified as a Variant of Uncertain Significance.